The following is an entry in ClinVar:

NM_001367561.1(DOCK7):c.4259C>T (p.Thr1420Met)

Gene: DOCK7 (dedicator of cytokinesis 7; minus strand). Cytogenetic location: 1p31.3.
Variant type: single nucleotide variant.
Coding change: c.4259C>T on transcript NM_001367561.1 (MANE Select); coding-DNA position 4259, C replaced by T.
Protein change: p.Thr1420Met; replaces threonine 1420 with methionine.
Molecular consequence: missense variant. On other transcripts: intron variant (4).
Genome position (GRCh38, 1-based): chr1:62,513,467, G>A on the plus strand (C>T on the coding strand, the complement: DOCK7 is on the minus strand). VCF-style: chr1-62513467-G-A. GRCh37 (hg19) VCF-style: chr1-62979138-G-A.
Other names: c.4166C>T, p.Thr1389Met (NM_033407.4); c.4162+4C>T (NM_001272001.2, NM_001272000.2); c.4255+4C>T (NM_001271999.2, NM_001330614.2); short protein forms T1389M, T1420M.
Identifiers: ClinVar variation 940922 (VCV000940922.9), dbSNP rs56380824, ClinGen allele CA885764.

ClinVar aggregate classification (germline): Uncertain significance (1 of 4 stars; one submission).

Conditions:
Developmental and epileptic encephalopathy, 23 (DEE23). Also called: Epileptic encephalopathy, early infantile, 23. Identifiers: Orphanet 411986, MedGen C4014492, MONDO:0014371, OMIM 615859.

Allele frequency attached by ClinVar (database versions not stated): TOPMed 0.00002; 1000 Genomes Project 30x 0.00016; gnomAD 0.00001; ESP Exome Variant Server 0.00008; 1000 Genomes Project 0.00020.
gnomAD v4.1: 13 of 1,611,844 alleles (0.00081%); highest among the groups gnomAD compares: African/African-American, 0.0027%; no homozygotes.

Submission:

Labcorp Genetics (formerly Invitae), Labcorp
Classification: Uncertain significance for Developmental and epileptic encephalopathy, 23. Last evaluated: 2020-09-30. Review status: criteria provided, single submitter. Criteria: Invitae Variant Classification Sherloc (09022015). Collection method: clinical testing. Allele origin: germline.
Comment: This variant is present in population databases (rs56380824, ExAC 0.006%). This variant has not been reported in the literature in individuals with DOCK7-related conditions. Nucleotide substitutions within the consensus splice site are a relatively common cause of aberrant splicing (PMID: 17576681, 9536098). Algorithms developed to predict the effect of sequence changes on RNA splicing suggest that this variant is not likely to affect RNA splicing, but this prediction has not been confirmed by published transcriptional studies. In summary, the available evidence is currently insufficient to determine the role of this variant in disease. Therefore, it has been classified as a Variant of Uncertain Significance. This sequence change falls in intron 33 of the DOCK7 gene. It does not directly change the encoded amino acid sequence of the DOCK7 protein, but it affects a nucleotide within the consensus splice site of the intron.

Literature cited by the submitters: PubMed 17576681; PubMed 9536098.